The following is an entry in ClinVar:

NM_203486.3(DLL3):c.529_535del (p.Arg177fs)

Genes: DLL3 (delta like canonical Notch ligand 3; plus strand), LOC130064417 (ATAC-STARR-seq lymphoblastoid silent region 10608; plus strand). Cytogenetic location: 19q13.2.
Variant type: Deletion.
Coding change: c.529_535del on transcript NM_203486.3 (MANE Select); coding-DNA positions 529 to 535, 7 bases deleted (CGCTGCG; older notation c.529_535delCGCTGCG).
Protein change: p.Arg177fs; shifts the reading frame from arginine 177.
Molecular consequence: frameshift variant.
Genome position (GRCh38, 1-based): chr19:39,502,934-39,502,940, CGCTGCG deleted; deleting any 7 consecutive bases within chr19:39,502,931-39,502,940 gives the same sequence; the c. name uses the placement nearest the transcript's 3' end. VCF-style (leftmost placement, unchanged base first): chr19-39502930-CGCGCGCT-C. GRCh37 (hg19) VCF-style: chr19-39993570-CGCGCGCT-C.
Other names: c.529_535del7 (NM_016941.3); c.529_535del, p.Arg177fs (NM_016941.4); c.529_535del (NM_016941.3); short protein forms R177fs.
Identifiers: ClinVar variation 591601 (VCV000591601.4), dbSNP rs1452482256, ClinGen allele CA882151475.
Genomic context (GRCh38, chr19:39,502,930, plus strand): 5'-AGGCCCGTGGGCCCGGGACATTCAGCGCGCAGGCGCCTGGGAGCTGCGCTTCTCGTACCG[CGCGCGCT>C]GCGAGCCGCCTGCCGTCGGGACCGCGTGCACGCGCCTCTGCCGTCCGCGCAGCGCCCCCT-3'

ClinVar aggregate classification (germline): Pathogenic/Likely pathogenic. Review status: criteria provided, multiple submitters, no conflicts (2 of 4 stars). 4 submissions from 4 submitters: Pathogenic (1); Likely pathogenic (2). 1 of the submissions does not count toward it. Last evaluated 2025-07-24.

Conditions:
DLL3-related disorder. Also called: DLL3-related condition.

Submissions (4):

GeneDx
Classification: Likely pathogenic. Last evaluated: 2025-07-24. Review status: criteria provided, single submitter. Criteria: GeneDx Variant Classification Process June 2021. Collection method: clinical testing. Allele origin: germline. Affected: yes.
Comment: Frameshift variant predicted to result in protein truncation or nonsense mediated decay in a gene for which loss of function is a known mechanism of disease; Not observed at significant frequency in large population cohorts (gnomAD); Has not been previously published as pathogenic or benign to our knowledge

Labcorp Genetics (formerly Invitae), Labcorp
Classification: Pathogenic. Last evaluated: 2024-01-09. Review status: criteria provided, single submitter. Criteria: Invitae Variant Classification Sherloc (09022015). Collection method: clinical testing. Allele origin: germline.
Comment: This sequence change creates a premature translational stop signal (p.Arg177Serfs*62) in the DLL3 gene. It is expected to result in an absent or disrupted protein product. Loss-of-function variants in DLL3 are known to be pathogenic (PMID: 12746394). This variant is not present in population databases (gnomAD no frequency). This variant has not been reported in the literature in individuals affected with DLL3-related conditions. ClinVar contains an entry for this variant (Variation ID: 591601). For these reasons, this variant has been classified as Pathogenic.

PreventionGenetics, part of Exact Sciences
Classification: Likely pathogenic for DLL3-related condition. Last evaluated: 2023-04-25. Review status: criteria provided, single submitter. Criteria: ACMG Guidelines, 2015. Collection method: clinical testing. Allele origin: germline.
Comment: The DLL3 c.529_535del7 variant is predicted to result in a frameshift and premature protein termination (p.Arg177Serfs*62). To our knowledge, this variant has not been reported in the literature or in a large population database, indicating this variant is rare. Frameshift variants in DLL3 are expected to be pathogenic. This variant is interpreted as likely pathogenic.

Gharavi Laboratory, Columbia University
Classification: Uncertain significance. Last evaluated: 2018-09-16. Review status: no assertion criteria provided. Criteria: ACMG Guidelines, 2015. Collection method: research. Allele origin: germline. Affected: yes. Not counted in ClinVar's aggregate classification.

Literature cited by the submitters: PubMed 12746394 (cited by Labcorp Genetics (formerly Invitae), Labcorp).